The following is an entry in ClinVar:

NM_000090.4(COL3A1):c.1636G>A (p.Gly546Arg)

Gene: COL3A1 (collagen type III alpha 1 chain; plus strand). Cytogenetic location: 2q32.2.
Variant type: single nucleotide variant.
Coding change: c.1636G>A on transcript NM_000090.4 (MANE Select); coding-DNA position 1636, G replaced by A.
Protein change: p.Gly546Arg; replaces glycine 546 with arginine.
Molecular consequence: missense variant.
Genome position (GRCh38, 1-based): chr2:188,996,152, G>A. VCF-style: chr2-188996152-G-A. GRCh37 (hg19) VCF-style: chr2-189860878-G-A.
Other names: short protein forms G546R.
Identifiers: ClinVar variation 2852637 (VCV002852637.3), dbSNP rs2469134090, ClinGen allele CA349852443.
Genomic context (GRCh38, chr2:188,996,152, plus strand): 5'-TAAATCACCTAACAACTGACTTCTTTACTTCAGGGCATGCCCGGAAGTCCAGGAGGACCA[G>A]GAAGTGATGGGAAACCAGGGCCTCCCGTATGTACATTTTTAAAATCTCATTTTAAAAGGC-3'
Protein context (NP_000081.2, residues 536-556): RGMPGSPGGP[Gly546Arg]SDGKPGPPGS

ClinVar aggregate classification (germline): Likely pathogenic (1 of 4 stars; one submission).

Conditions:
Ehlers-Danlos syndrome, type 4 (EDSVASC). Also called: Ehlers-Danlos syndrome vascular type; Ehlers Danlos syndrome, ecchymotic type; Ehlers Danlos syndrome, arterial type; Ehlers Danlos syndrome, Sack-Barabas type; Ehlers-Danlos Syndrome Type IV. Identifiers: Orphanet 286, MedGen C0268338, MONDO:0017314, OMIM 130050.

Submission:

Labcorp Genetics (formerly Invitae), Labcorp
Classification: Likely pathogenic for Ehlers-Danlos syndrome, type 4. Last evaluated: 2023-04-06. Review status: criteria provided, single submitter. Criteria: Invitae Variant Classification Sherloc (09022015). Collection method: clinical testing. Allele origin: germline.
Comment: This variant is not present in population databases (gnomAD no frequency). This sequence change replaces glycine, which is neutral and non-polar, with arginine, which is basic and polar, at codon 546 of the COL3A1 protein (p.Gly546Arg). This variant has not been reported in the literature in individuals affected with COL3A1-related conditions. Advanced modeling of protein sequence and biophysical properties (such as structural, functional, and spatial information, amino acid conservation, physicochemical variation, residue mobility, and thermodynamic stability) performed at Invitae indicates that this missense variant is expected to disrupt COL3A1 protein function. This variant disrupts the triple helix domain of COL3A1. Glycine residues within the Gly-Xaa-Yaa repeats of the triple helix domain are required for the structure and stability of fibrillar collagens (PMID: 7695699, 8218237, 19344236). In COL3A1, variants that affect these glycine residues are significantly enriched in individuals with disease (PMID: 24922459, 25758994) compared to the general population (ExAC). In summary, the currently available evidence indicates that the variant is pathogenic, but additional data are needed to prove that conclusively. Therefore, this variant has been classified as Likely Pathogenic.

Literature cited by the submitters: PubMed 7695699; PubMed 8218237; PubMed 19344236; PubMed 24922459; PubMed 25758994.